The following is an entry in ClinVar:

ClinVar aggregate classification (germline): Pathogenic (1 of 4 stars; one submission).

Conditions:
Angelman syndrome (AS). Also called: HAPPY PUPPET SYNDROME. Identifiers: Orphanet 72, MedGen C0162635, MONDO:0007113, OMIM 105830. Disease mechanism: loss of function. Inheritance: imprinting disorder, AS is caused by disruption of maternally imprinted UBE3A located within the 15q11.2-q13 Angelman syndrome/Prader-Willi syndrome (AS/PWS) region..

Submission:

Labcorp Genetics (formerly Invitae), Labcorp
Classification: Pathogenic for Angelman syndrome. Last evaluated: 2020-07-12. Review status: criteria provided, single submitter. Criteria: Invitae Variant Classification Sherloc (09022015). Collection method: clinical testing. Allele origin: germline.
Comment: For these reasons, this variant has been classified as Pathogenic. This variant disrupts the C-terminus of the UBE3A protein. Other variant(s) that disrupt this region (p.Ser830*) have been determined to be pathogenic (Invitae). This suggests that variants that disrupt this region of the protein are likely to be causative of disease. This variant has not been reported in the literature in individuals with UBE3A-related conditions. This variant is not present in population databases (ExAC no frequency). This sequence change results in a premature translational stop signal in the UBE3A gene (p.Leu826Alafs*21). While this is not anticipated to result in nonsense mediated decay, it is expected to disrupt the last 27 amino acids of the UBE3A protein.

NM_130839.5(UBE3A):c.2515_2531dup (p.Leu846fs)

Genes: SNHG14 (small nucleolar RNA host gene 14; plus strand), UBE3A (ubiquitin protein ligase E3A; minus strand). Cytogenetic location: 15q11.2.
Variant type: Duplication.
Coding change: c.2515_2531dup on transcript NM_130839.5 (MANE Select); coding-DNA positions 2515 to 2531, 17 bases duplicated (ACTTGCTTTAATGTGCT).
Protein change: p.Leu846fs; shifts the reading frame from leucine 846.
Molecular consequence: frameshift variant. On other transcripts: non-coding transcript variant (1).
Genome position (GRCh38, 1-based): chr15:25,339,225-25,339,241, AGCACATTAAAGCAAGT duplicated on the plus strand (ACTTGCTTTAATGTGCT on the coding strand, the reverse complement: UBE3A is on the minus strand); duplicating any 17 consecutive bases within chr15:25,339,225-25,339,242 gives the same sequence; the c. name uses the placement nearest the transcript's 3' end. VCF-style (leftmost placement, unchanged base first): chr15-25339224-A-AAGCACATTAAAGCAAGT. GRCh37 (hg19) VCF-style: chr15-25584371-A-AAGCACATTAAAGCAAGT.
Other names: c.2359_2375dup, p.Leu794fs (NM_001354545.2); c.2455_2471dup, p.Leu826fs (NM_001354544.2, NM_001374461.1, NM_001354506.2 and 14 more transcripts); c.2338_2354dup, p.Leu787fs (NM_001354546.2); c.2299_2315dup, p.Leu774fs (NM_001354547.2, NM_001354548.2); c.2290_2306dup, p.Leu771fs (NM_001354549.2); c.1264_1280dup, p.Leu429fs (NM_001354550.2); c.2524_2540dup, p.Leu849fs (NM_000462.5); c.1204_1220dup, p.Leu409fs (NM_001354551.2); and 1 more; short protein forms L409fs, L429fs, L771fs, L774fs, L787fs, L794fs, L826fs, L846fs.
Identifiers: ClinVar variation 1073548 (VCV001073548.9), dbSNP rs2152507134, ClinGen allele CA2499222856.